The following is an entry in ClinVar:

NM_024496.4(IRF2BPL):c.1262T>G (p.Ile421Ser)

Gene: IRF2BPL (interferon regulatory factor 2 binding protein like; minus strand). Cytogenetic location: 14q24.3.
Variant type: single nucleotide variant.
Coding change: c.1262T>G on transcript NM_024496.4 (MANE Select); coding-DNA position 1262, T replaced by G.
Protein change: p.Ile421Ser; replaces isoleucine 421 with serine.
Molecular consequence: missense variant.
Genome position (GRCh38, 1-based): chr14:77,026,531, A>C on the plus strand (T>G on the coding strand, the complement: IRF2BPL is on the minus strand). VCF-style: chr14-77026531-A-C. GRCh37 (hg19) VCF-style: chr14-77492874-A-C.
Other names: short protein forms I421S.
Identifiers: ClinVar variation 1806285 (VCV001806285.1), dbSNP rs2503076018, ClinGen allele CA390495051.

ClinVar aggregate classification (germline): Uncertain significance (1 of 4 stars; one submission).

Conditions:
Neurodevelopmental disorder with regression, abnormal movements, loss of speech, and seizures. Identifiers: Orphanet 597623, MedGen C4748127, MONDO:0060759, OMIM 618088.

Submission:

Victorian Clinical Genetics Services, Murdoch Childrens Research Institute
Classification: Uncertain significance for Neurodevelopmental disorder with regression, abnormal movements, loss of speech, and seizures. Last evaluated: 2020-05-26. Review status: criteria provided, single submitter. Criteria: ACMG Guidelines, 2015. Collection method: clinical testing. Allele origin: germline. Inheritance: Autosomal dominant inheritance. Affected: yes.
Comment: A heterozygous missense variant, NM_024496.3(IRF2BPL):c.1262T>G, has been identified in exon 1 of 1 of the IRF2BPL gene. The variant is predicted to result in a major amino acid change from isoleucine to serine at position 421 of the protein (NP_078772.1(IRF2BPL):p.(Ile421Ser)). The isoleucine residue at this position has high conservation (100 vertebrates, UCSC), but is not located within a well established functional domain. In silico predictions of pathogenicity for this variant are conflicting (Polyphen, SIFT, CADD, Mutation Taster). The variant is absent in population databases (gnomAD) and has not been previously reported in clinical cases. Based on the information available at the time of curation, this variant has been classified as a VARIANT of UNCERTAIN SIGNIFICANCE (VUS) with LOW CLINICAL RELEVANCE.